The following is an entry in ClinVar:

ClinVar aggregate classification (germline): Uncertain significance (1 of 4 stars; one submission).

Submission:

GeneDx
Classification: Uncertain significance. Last evaluated: 2022-01-13. Review status: criteria provided, single submitter. Criteria: GeneDx Variant Classification Process June 2021. Collection method: clinical testing. Allele origin: germline. Affected: yes.
Comment: Not observed at significant frequency in large population cohorts (gnomAD); In silico analysis supports that this missense variant has a deleterious effect on protein structure/function; Has not been previously published as pathogenic or benign to our knowledge

NM_016604.4(KDM3B):c.311C>T (p.Pro104Leu)

Gene: KDM3B (lysine demethylase 3B; plus strand). Cytogenetic location: 5q31.2.
Variant type: single nucleotide variant.
Coding change: c.311C>T on transcript NM_016604.4 (MANE Select); coding-DNA position 311, C replaced by T.
Protein change: p.Pro104Leu; replaces proline 104 with leucine.
Molecular consequence: missense variant.
Genome position (GRCh38, 1-based): chr5:138,372,792, C>T. VCF-style: chr5-138372792-C-T. GRCh37 (hg19) VCF-style: chr5-137708481-C-T.
Other names: short protein forms P104L.
Identifiers: ClinVar variation 1696884 (VCV001696884.2), dbSNP rs2126922767, ClinGen allele CA361094785.